The following is an entry in ClinVar:

NM_001369268.1(ACAN):c.6313G>A (p.Ala2105Thr)

Gene: ACAN (aggrecan; plus strand). Cytogenetic location: 15q26.1.
Variant type: single nucleotide variant.
Coding change: c.6313G>A on transcript NM_001369268.1 (MANE Select); coding-DNA position 6313, G replaced by A.
Protein change: p.Ala2105Thr; replaces alanine 2105 with threonine.
Molecular consequence: missense variant.
Genome position (GRCh38, 1-based): chr15:88,858,898, G>A. VCF-style: chr15-88858898-G-A. GRCh37 (hg19) VCF-style: chr15-89402129-G-A.
Other names: c.6313G>A, p.Ala2105Thr (NM_001135.4, NM_013227.4); short protein forms A2105T.
Identifiers: ClinVar variation 225112 (VCV000225112.5), dbSNP rs755552903, ClinGen allele CA358147.

ClinVar aggregate classification (germline): Uncertain significance. Review status: criteria provided, multiple submitters, no conflicts (2 of 4 stars). 2 submissions from 2 submitters: Uncertain significance (2). Last evaluated 2024-09-24.

Conditions:
Inborn genetic diseases. Identifiers: MedGen C0950123, MeSH D030342.

Allele frequency attached by ClinVar (database versions not stated): gnomAD 0.00003; TOPMed 0.00003; ExAC 0.00004; gnomAD exomes 0.00004 and 0.00006.
gnomAD v4.1: 57 of 1,609,084 alleles (0.0035%); highest among the groups gnomAD compares: Middle Eastern, 0.033%; no homozygotes.

Submissions (2):

Blueprint Genetics
Classification: Uncertain significance. Last evaluated: 2024-09-24. Review status: criteria provided, single submitter. Criteria: ACMG Guidelines, 2015. Collection method: clinical testing. Allele origin: germline.

Ambry Genetics
Classification: Uncertain significance for Inborn genetic diseases. Last evaluated: 2014-03-10. Review status: criteria provided, single submitter. Criteria: Ambry Autosomal Dominant and X-Linked criteria (10/2015). Collection method: clinical testing. Allele origin: germline. Observed: 1 variant allele.
Comment: There is insufficient or conflicting evidence for classification of this alteration.